The following is an entry in ClinVar:

NM_000548.5(TSC2):c.1450C>T (p.Leu484=)

Gene: TSC2 (TSC complex subunit 2; plus strand). Cytogenetic location: 16p13.3.
Variant type: single nucleotide variant.
Coding change: c.1450C>T on transcript NM_000548.5 (MANE Select); coding-DNA position 1450, C replaced by T.
Protein change: p.Leu484=; no amino-acid change (leucine 484 retained).
Molecular consequence: synonymous variant.
Genome position (GRCh38, 1-based): chr16:2,064,278, C>T. VCF-style: chr16-2064278-C-T. GRCh37 (hg19) VCF-style: chr16-2114279-C-T.
Other names: c.1450C>T, p.Leu484= (NM_001077183.3, NM_001114382.3, NM_001363528.2 and 3 more transcripts); c.1339C>T, p.Leu447= (NM_001318827.2); c.1303C>T, p.Leu435= (NM_001318829.2); c.850C>T, p.Leu284= (NM_001318831.2); c.1483C>T, p.Leu495= (NM_001318832.2); c.1450C>T (NM_000548.4).
Identifiers: ClinVar variation 1146384 (VCV001146384.19), dbSNP rs2087007486, ClinGen allele CA492962843.

ClinVar aggregate classification (germline): Benign/Likely benign. Review status: criteria provided, multiple submitters, no conflicts (2 of 4 stars). 8 submissions from 8 submitters: Benign (3); Likely benign (5). Last evaluated 2025-12-19.

Conditions:
TSC2-related disorder. Also called: TSC2-related condition; TSC2-Related Disorders.
Hereditary cancer-predisposing syndrome. Also called: Tumor predisposition; Hereditary Cancer Syndrome; Neoplastic Syndromes, Hereditary; Hereditary neoplastic syndrome. Identifiers: Orphanet 140162, MedGen C0027672, MeSH D009386, MONDO:0015356.
Tuberous sclerosis 2 (TSC2). Identifiers: MONDO:0013199, OMIM 613254, Orphanet 805, MedGen C1860707.
Tuberous sclerosis syndrome (TSC). Also called: Tuberous Sclerosis Complex; Tuberous sclerosis. Identifiers: Orphanet 805, MedGen C0041341, MONDO:0001734.

Allele frequency attached by ClinVar (database versions not stated): gnomAD exomes below 0.00001; gnomAD 0.00001; TOPMed 0.00002.
gnomAD v4.1: 2 of 1,613,844 alleles (0.00012%); highest among the groups gnomAD compares: Admixed American, 0.0033%; no homozygotes.

Submissions (8):

PreventionGenetics, part of Exact Sciences
Classification: Likely benign for TSC2-related condition. Last evaluated: 2025-12-19. Review status: criteria provided, single submitter. Criteria: ACMG Guidelines, 2015. Collection method: clinical testing. Allele origin: germline.
Comment: This variant is classified as likely benign based on ACMG/AMP sequence variant interpretation guidelines (Richards et al. 2015 PMID: 25741868, with internal and published modifications).

Labcorp Genetics (formerly Invitae), Labcorp
Classification: Likely benign for Tuberous sclerosis 2. Last evaluated: 2025-06-12. Review status: criteria provided, single submitter. Criteria: Invitae Variant Classification Sherloc (09022015). Collection method: clinical testing. Allele origin: germline.

Myriad Genetics, Inc.
Classification: Benign for Tuberous sclerosis 2. Last evaluated: 2025-05-14. Review status: criteria provided, single submitter. Criteria: Myriad Autosomal Dominant, Autosomal Recessive and X-Linked Classification Criteria (2023). Collection method: clinical testing. Allele origin: unknown.
Comment: This variant is considered benign. This variant is a silent/synonymous amino acid change and it is not expected to impact splicing.

All of Us Research Program, National Institutes of Health
Classification: Likely benign for Tuberous sclerosis syndrome. Last evaluated: 2023-11-20. Review status: criteria provided, single submitter. Criteria: ACMG Guidelines, 2015. Collection method: clinical testing. Allele origin: germline. Inheritance: Autosomal dominant inheritance. Observed: 1 variant allele, 1 heterozygote.
Comment: This study involves interpretation of variants in research participants for the purpose of population health screening. Participant phenotype was not available at the time of variant classification. Additional details can be found in publication PMID: 35346344, PMCID: PMC8962531

Color Diagnostics, LLC DBA Color Health
Classification: Likely benign for Tuberous sclerosis syndrome. Last evaluated: 2022-09-20. Review status: criteria provided, single submitter. Criteria: ACMG Guidelines, 2015. Collection method: clinical testing. Allele origin: germline.

Genome-Nilou Lab
Classification: Benign for Tuberous sclerosis 2. Last evaluated: 2021-11-07. Review status: criteria provided, single submitter. Criteria: ACMG Guidelines, 2015. Collection method: clinical testing. Allele origin: germline. Affected: no.

Ambry Genetics
Classification: Likely benign for Hereditary cancer-predisposing syndrome. Last evaluated: 2018-01-22. Review status: criteria provided, single submitter. Criteria: Ambry Variant Classification Scheme 2023. Collection method: clinical testing. Allele origin: germline.

GeneDx
Classification: Benign. Last evaluated: 2016-03-03. Review status: criteria provided, single submitter. Criteria: GeneDx Variant Classification Process June 2021. Collection method: clinical testing. Allele origin: germline. Affected: yes.